The following is an entry in ClinVar:

NM_020207.7(ERCC6L2):c.1091T>A (p.Met364Lys)

Gene: ERCC6L2 (ERCC excision repair 6 like 2; plus strand). Cytogenetic location: 9q22.32.
Variant type: single nucleotide variant.
Coding change: c.1091T>A on transcript NM_020207.7 (MANE Select); coding-DNA position 1091, T replaced by A.
Protein change: p.Met364Lys; replaces methionine 364 with lysine.
Molecular consequence: missense variant. On other transcripts: non-coding transcript variant (1).
Genome position (GRCh38, 1-based): chr9:95,916,367, T>A. VCF-style: chr9-95916367-T-A. GRCh37 (hg19) VCF-style: chr9-98678649-T-A.
Other names: c.1091T>A, p.Met364Lys (NM_001010895.4, NM_001375291.1, NM_001375292.1 and 2 more transcripts); short protein forms M364K.
Identifiers: ClinVar variation 4870566 (VCV004870566.1).

ClinVar aggregate classification (germline): Uncertain significance (1 of 4 stars; one submission).

Conditions:
Inborn genetic diseases. Identifiers: MedGen C0950123, MeSH D030342.

Submission:

Ambry Genetics
Classification: Uncertain significance for Inborn genetic diseases. Last evaluated: 2026-03-15. Review status: criteria provided, single submitter. Criteria: Ambry Variant Classification Scheme 2023. Collection method: clinical testing. Allele origin: germline.
Comment: The p.M364K variant (also known as c.1091T>A), located in coding exon 6 of the ERCC6L2 gene, results from a T to A substitution at nucleotide position 1091. The methionine at codon 364 is replaced by lysine, an amino acid with similar properties. This amino acid position is conserved. In addition, this alteration is predicted to be deleterious by in silico analysis. Based on the available evidence, the clinical significance of this variant remains unclear.